The following is an entry in ClinVar:

ClinVar aggregate classification (germline): Uncertain significance (1 of 4 stars; one submission).

Submission:

Labcorp Genetics (formerly Invitae), Labcorp
Classification: Uncertain significance. Last evaluated: 2022-03-27. Review status: criteria provided, single submitter. Criteria: Invitae Variant Classification Sherloc (09022015). Collection method: clinical testing. Allele origin: germline.
Comment: Algorithms developed to predict the effect of missense changes on protein structure and function are either unavailable or do not agree on the potential impact of this missense change (SIFT: "Tolerated"; PolyPhen-2: "Not Available"; Align-GVGD: "Class C0"). In summary, the available evidence is currently insufficient to determine the role of this variant in disease. Therefore, it has been classified as a Variant of Uncertain Significance. This variant has not been reported in the literature in individuals affected with KAT6A-related conditions. This variant is not present in population databases (gnomAD no frequency). This sequence change replaces serine, which is neutral and polar, with tyrosine, which is neutral and polar, at codon 1379 of the KAT6A protein (p.Ser1379Tyr).

NM_006766.5(KAT6A):c.4136C>A (p.Ser1379Tyr)

Gene: KAT6A (lysine acetyltransferase 6A; minus strand). Cytogenetic location: 8p11.21.
Variant type: single nucleotide variant.
Coding change: c.4136C>A on transcript NM_006766.5 (MANE Select); coding-DNA position 4136, C replaced by A.
Protein change: p.Ser1379Tyr; replaces serine 1379 with tyrosine.
Molecular consequence: missense variant.
Genome position (GRCh38, 1-based): chr8:41,934,084, G>T on the plus strand (C>A on the coding strand, the complement: KAT6A is on the minus strand). VCF-style: chr8-41934084-G-T. GRCh37 (hg19) VCF-style: chr8-41791602-G-T.
Other names: short protein forms S1379Y.
Identifiers: ClinVar variation 2103248 (VCV002103248.4), dbSNP rs1821716465, ClinGen allele CA371066900.